The following is an entry in ClinVar:

ClinVar aggregate classification (germline): Likely pathogenic (0 of 4 stars; one submission).

Conditions:
Primary dilated cardiomyopathy (DCM). Also called: Dilated Cardiomyopathy. Identifiers: Orphanet 217604, MedGen C0007193, MeSH D002311, MONDO:0005021, HP:0001644. Inheritance: Various modes of inheritance.

Submission:

Laboratory for Molecular Medicine, Mass General Brigham Personalized Medicine
Classification: Likely pathogenic for Primary dilated cardiomyopathy. Last evaluated: 2013-09-06. Review status: no assertion criteria provided. Collection method: clinical testing. Allele origin: germline. Inheritance: Autosomal dominant inheritance. Observed: 1 variant allele.
Comment: proposed classification - variant undergoing re-assessment, contact laboratory

Literature cited by the submitters: PubMed 22464770.

NM_000363.5(TNNI3):c.550G>A (p.Glu184Lys)

Gene: TNNI3 (troponin I3, cardiac type; minus strand). Cytogenetic location: 19q13.42.
Variant type: single nucleotide variant.
Coding change: c.550G>A on transcript NM_000363.5 (MANE Select); coding-DNA position 550, G replaced by A.
Protein change: p.Glu184Lys; replaces glutamic acid 184 with lysine.
Molecular consequence: missense variant.
Genome position (GRCh38, 1-based): chr19:55,151,917, C>T on the plus strand (G>A on the coding strand, the complement: TNNI3 is on the minus strand). VCF-style: chr19-55151917-C-T. GRCh37 (hg19) VCF-style: chr19-55663285-C-T.
Other names: short protein forms E184K.
Identifiers: ClinVar variation 43394 (VCV000043394.5), dbSNP rs397516356, ClinGen allele CA021885.